The following is an entry in ClinVar:

ClinVar aggregate classification (germline): Pathogenic (0 of 4 stars; one submission).

Conditions:
Carcinoma of colon (CRC). Also called: Colon carcinoma; Colonic carcinoma. Identifiers: MedGen C0699790, MONDO:0002032.

Submission:

Department of Pathology and Laboratory Medicine, Sinai Health System
Classification: Pathogenic for Carcinoma of colon. Review status: no assertion criteria provided. Collection method: clinical testing. Allele origin: unknown. Affected: yes. Study: The Canadian Open Genetics Repository (COGR).
Comment: The APC p.Asn164LysfsX5 variant was not identified in the literature nor was it identified in the dbSNP, NHLBI Exome Sequencing Project (Exome Variant Server), Exome Aggregation Consortium (ExAC) database, Clinvitae, COSMIC, â€šÃ„ÃºMismatch Repair Genes Variant Databaseâ€šÃ„Ã¹, â€šÃ„ÃºMMR Gene Unclassified Variants Databaseâ€šÃ„Ã¹, InSiGHT Colon Cancer Gene Variant Database, â€šÃ„ÃºZhejiang Colon Cancer Databaseâ€šÃ„Ã¹, ClinVar and UMD databases. The c.492_495delTCTC deletion variant is predicted to cause a frameshift, which alters the protein's amino acid sequence beginning at codon 164 and leads to a premature stop codon 5 codons downstream. This alteration is then predicted to result in a truncated or absent protein and loss of function. Loss of function variants of the APC gene are an established mechanism of disease in familial adenomatous polyposis and is the type of variant expected to cause the disorder. In summary, based on the above information, this variant meets our laboratoryâ€šÃ„Ã´s criteria to be classified as pathogenic.

NM_000038.6(APC):c.492_495del (p.Asn164fs)

Gene: APC (APC regulator of Wnt signaling pathway; plus strand). Cytogenetic location: 5q22.2.
Variant type: Deletion.
Coding change: c.492_495del on transcript NM_000038.6 (MANE Select); coding-DNA positions 492 to 495, 4 bases deleted (TCTC; older notation c.492_495delTCTC).
Protein change: p.Asn164fs; shifts the reading frame from asparagine 164.
Molecular consequence: frameshift variant. On other transcripts: 5 prime UTR variant (1).
Genome position (GRCh38, 1-based): chr5:112,775,698-112,775,701, TCTC deleted. VCF-style (leftmost placement, unchanged base first): chr5-112775697-ATCTC-A. GRCh37 (hg19) VCF-style: chr5-112111394-ATCTC-A.
Other names: c.492_495del, p.Asn164fs (NM_001127510.3, NM_001354895.2, NM_001354896.2 and 2 more transcripts); c.522_525del, p.Asn174fs (NM_001127511.3, NM_001354897.2, NM_001354902.2); c.417_420del, p.Asn139fs (NM_001354898.2, NM_001354904.2); c.315_318del, p.Asn105fs (NM_001354900.2, NM_001354901.2, NM_001354905.2); c.-544_-541del (NM_001354906.2); short protein forms N105fs, N164fs, N139fs, N174fs.
Identifiers: ClinVar variation 433603 (VCV000433603.2), dbSNP rs1554071590, ClinGen allele CA645372775.